The following is an entry in ClinVar:

ClinVar aggregate classification (germline): Uncertain significance. Review status: criteria provided, multiple submitters, no conflicts (2 of 4 stars). 2 submissions from 2 submitters: Uncertain significance (2). Last evaluated 2025-12-10.

Conditions:
Inborn genetic diseases. Identifiers: MedGen C0950123, MeSH D030342.

gnomAD v4.1: 5 of 1,333,754 alleles (0.00037%); highest among the groups gnomAD compares: African/African-American, 0.0015%; no homozygotes.

Submissions (2):

Labcorp Genetics (formerly Invitae), Labcorp
Classification: Uncertain significance. Last evaluated: 2025-12-10. Review status: criteria provided, single submitter. Criteria: Invitae Variant Classification Sherloc (09022015). Collection method: clinical testing. Allele origin: germline.
Comment: This sequence change replaces alanine, which is neutral and non-polar, with valine, which is neutral and non-polar, at codon 22 of the HOXD13 protein (p.Ala22Val). This variant is not present in population databases (gnomAD no frequency). This variant has not been reported in the literature in individuals affected with HOXD13-related conditions. An algorithm developed to predict the effect of missense changes on protein structure and function (PolyPhen-2) suggests that this variant is likely to be tolerated. In summary, the available evidence is currently insufficient to determine the role of this variant in disease. Therefore, it has been classified as a Variant of Uncertain Significance.

Ambry Genetics
Classification: Uncertain significance for Inborn genetic diseases. Last evaluated: 2025-10-14. Review status: criteria provided, single submitter. Criteria: Ambry Variant Classification Scheme 2023. Collection method: clinical testing. Allele origin: germline.

NM_000523.4(HOXD13):c.65C>T (p.Ala22Val)

Gene: HOXD13 (homeobox D13; plus strand). Cytogenetic location: 2q31.1.
Variant type: single nucleotide variant.
Coding change: c.65C>T on transcript NM_000523.4 (MANE Select); coding-DNA position 65, C replaced by T.
Protein change: p.Ala22Val; replaces alanine 22 with valine.
Molecular consequence: missense variant.
Genome position (GRCh38, 1-based): chr2:176,092,955, C>T. VCF-style: chr2-176092955-C-T. GRCh37 (hg19) VCF-style: chr2-176957683-C-T.
Other names: short protein forms A22V.
Identifiers: ClinVar variation 4621669 (VCV004621669.2).